The following is an entry in ClinVar:

NM_001369387.1(GNAL):c.46G>T (p.Val16Phe)

Gene: GNAL (G protein subunit alpha L; plus strand). Cytogenetic location: 18p11.21.
Variant type: single nucleotide variant.
Coding change: c.46G>T on transcript NM_001369387.1 (MANE Plus Clinical); coding-DNA position 46, G replaced by T.
Protein change: p.Val16Phe; replaces valine 16 with phenylalanine.
Molecular consequence: missense variant. On other transcripts: intron variant (1).
Genome position (GRCh38, 1-based): chr18:11,752,479, G>T. VCF-style: chr18-11752479-G-T. GRCh37 (hg19) VCF-style: chr18-11752478-G-T.
Other names: c.46G>T, p.Val16Phe (NM_001142339.3, NM_001261443.2); c.377-374G>T (NM_182978.4); short protein forms V16F.
Identifiers: ClinVar variation 2741399 (VCV002741399.3), dbSNP rs1039372506, ClinGen allele CA296031815.

ClinVar aggregate classification (germline): Uncertain significance (1 of 4 stars; one submission).

Conditions:
Dystonic disorder. Also called: Dystonia. Identifiers: MedGen C0013421, MONDO:0003441, HP:0001332.

Allele frequency attached by ClinVar (database versions not stated): gnomAD 0.00003; TOPMed 0.00003; gnomAD exomes 0.00005.
gnomAD v4.1: 74 of 1,612,204 alleles (0.0046%); highest among the groups gnomAD compares: Non-Finnish European, 0.0061%; no homozygotes.

Submission:

Labcorp Genetics (formerly Invitae), Labcorp
Classification: Uncertain significance for Dystonic disorder. Last evaluated: 2023-02-17. Review status: criteria provided, single submitter. Criteria: Invitae Variant Classification Sherloc (09022015). Collection method: clinical testing. Allele origin: germline.
Comment: This sequence change replaces valine, which is neutral and non-polar, with phenylalanine, which is neutral and non-polar, at codon 16 of the GNAL protein (p.Val16Phe). This variant is present in population databases (no rsID available, gnomAD 0.008%). In summary, the available evidence is currently insufficient to determine the role of this variant in disease. Therefore, it has been classified as a Variant of Uncertain Significance. Experimental studies have shown that this missense change does not substantially affect GNAL function (PMID: 23222958). Advanced modeling of protein sequence and biophysical properties (such as structural, functional, and spatial information, amino acid conservation, physicochemical variation, residue mobility, and thermodynamic stability) performed at Invitae indicates that this missense variant is not expected to disrupt GNAL protein function. This variant has not been reported in the literature in individuals affected with GNAL-related conditions.

Literature cited by the submitters: PubMed 23222958.